The following is an entry in ClinVar:

NM_001323289.2(CDKL5):c.2682dup (p.Pro895fs)

Gene: CDKL5 (cyclin dependent kinase like 5; plus strand). Cytogenetic location: Xp22.13.
Variant type: Duplication.
Coding change: c.2682dup on transcript NM_001323289.2 (MANE Select); coding-DNA position 2682, one base duplicated (A; older notation c.2682dupA).
Protein change: p.Pro895fs; shifts the reading frame from proline 895.
Molecular consequence: frameshift variant.
Genome position (GRCh38, 1-based): chrX:18,628,556, A duplicated. VCF-style (leftmost placement, unchanged base first): chrX-18628555-C-CA. GRCh37 (hg19) VCF-style: chrX-18646675-C-CA.
Other names: c.2682dup, p.Pro895fs (NM_001037343.2, NM_003159.3); short protein forms P895fs.
Identifiers: ClinVar variation 947226 (VCV000947226.8), dbSNP rs1569225454, ClinGen allele CA1139667259.
Genomic context (GRCh38, chrX:18,628,555, plus strand): 5'-TTCGGATTCACCCCCTGAGCCAGGCCTCTGGCGGGAGCAGCAACATCCGGCAGGAACCCG[C>CA]ACCGAAGGGCAGGCCAGCCCTCCAGCTGCCAGGTCAGATGGATCCTGGTTGGCATGTGTC-3'

ClinVar aggregate classification (germline): Pathogenic (1 of 4 stars; one submission).

Conditions:
Developmental and epileptic encephalopathy, 2 (DEE2). Also called: CDKL5 deficiency disorder; INFANTILE SPASM SYNDROME, X-LINKED 2. Identifiers: Orphanet 1934, Orphanet 3451, Orphanet 505652, MedGen C4750718, MONDO:0010396, OMIM 300672.
Angelman syndrome-like. Identifiers: MedGen CN128785.

Submission:

Labcorp Genetics (formerly Invitae), Labcorp
Classification: Pathogenic for Developmental and epileptic encephalopathy, 2; Angelman syndrome-like. Last evaluated: 2022-10-28. Review status: criteria provided, single submitter. Criteria: Invitae Variant Classification Sherloc (09022015). Collection method: clinical testing. Allele origin: germline.
Comment: For these reasons, this variant has been classified as Pathogenic. This variant disrupts a region of the CDKL5 protein in which other variant(s) (p.Arg943Asnfs*11) have been determined to be pathogenic (PMID: 29444904). This suggests that this is a clinically significant region of the protein, and that variants that disrupt it are likely to be disease-causing. ClinVar contains an entry for this variant (Variation ID: 947226). This variant has not been reported in the literature in individuals affected with CDKL5-related conditions. This variant is not present in population databases (gnomAD no frequency). This sequence change creates a premature translational stop signal (p.Pro895Thrfs*15) in the CDKL5 gene. While this is not anticipated to result in nonsense mediated decay, it is expected to disrupt the last 136 amino acid(s) of the CDKL5 protein.

Literature cited by the submitters: PubMed 29444904.